The following is an entry in ClinVar:

ClinVar aggregate classification (germline): Uncertain significance. Review status: criteria provided, multiple submitters, no conflicts (2 of 4 stars). 2 submissions from 2 submitters: Uncertain significance (2). Last evaluated 2023-12-22.

Conditions:
Inborn genetic diseases. Identifiers: MedGen C0950123, MeSH D030342.
Developmental and epileptic encephalopathy. Identifiers: MedGen C5779964, MONDO:0100620.

Allele frequency attached by ClinVar (database versions not stated): TOPMed 0.00006; 1000 Genomes Project 30x 0.00016; 1000 Genomes Project 0.00020.
gnomAD v4.1: 122 of 1,613,586 alleles (0.0076%); highest among the groups gnomAD compares: Non-Finnish European, 0.0081%; 1 homozygote.

Submissions (2):

Labcorp Genetics (formerly Invitae), Labcorp
Classification: Uncertain significance for Early-infantile DEE. Last evaluated: 2023-12-22. Review status: criteria provided, single submitter. Criteria: Invitae Variant Classification Sherloc (09022015). Collection method: clinical testing. Allele origin: germline.
Comment: This sequence change replaces arginine, which is basic and polar, with histidine, which is basic and polar, at codon 239 of the CACNA2D2 protein (p.Arg239His). This variant is present in population databases (rs201610016, gnomAD 0.006%). This variant has not been reported in the literature in individuals affected with CACNA2D2-related conditions. ClinVar contains an entry for this variant (Variation ID: 530511). An algorithm developed to predict the effect of missense changes on protein structure and function (PolyPhen-2) suggests that this variant is likely to be disruptive. In summary, the available evidence is currently insufficient to determine the role of this variant in disease. Therefore, it has been classified as a Variant of Uncertain Significance.

Ambry Genetics
Classification: Uncertain significance for Inborn genetic diseases. Last evaluated: 2023-09-20. Review status: criteria provided, single submitter. Criteria: Ambry Variant Classification Scheme 2023. Collection method: clinical testing. Allele origin: germline.

NM_006030.4(CACNA2D2):c.716G>A (p.Arg239His)

Gene: CACNA2D2 (calcium voltage-gated channel auxiliary subunit alpha2delta 2; minus strand). Cytogenetic location: 3p21.31.
Variant type: single nucleotide variant.
Coding change: c.716G>A on transcript NM_006030.4 (MANE Select); coding-DNA position 716, G replaced by A.
Protein change: p.Arg239His; replaces arginine 239 with histidine.
Molecular consequence: missense variant.
Genome position (GRCh38, 1-based): chr3:50,381,063, C>T on the plus strand (G>A on the coding strand, the complement: CACNA2D2 is on the minus strand). VCF-style: chr3-50381063-C-T. GRCh37 (hg19) VCF-style: chr3-50418494-C-T.
Other names: c.716G>A, p.Arg239His (NM_001005505.3, NM_001174051.3); c.509G>A, p.Arg170His (NM_001291101.1); c.716G>A (NM_001174051.1); short protein forms R239H, R170H.
Identifiers: ClinVar variation 530511 (VCV000530511.8), dbSNP rs201610016, ClinGen allele CA2419096.